The following is an entry in ClinVar:

NM_004655.4(AXIN2):c.1355G>T (p.Cys452Phe)

Gene: AXIN2 (axin 2; minus strand). Cytogenetic location: 17q24.1.
Variant type: single nucleotide variant.
Coding change: c.1355G>T on transcript NM_004655.4 (MANE Select); coding-DNA position 1355, G replaced by T.
Protein change: p.Cys452Phe; replaces cysteine 452 with phenylalanine.
Molecular consequence: missense variant.
Genome position (GRCh38, 1-based): chr17:65,537,681, C>A on the plus strand (G>T on the coding strand, the complement: AXIN2 is on the minus strand). VCF-style: chr17-65537681-C-A. GRCh37 (hg19) VCF-style: chr17-63533799-C-A.
Other names: c.1355G>T, p.Cys452Phe (NM_001363813.1); short protein forms C452F.
Identifiers: ClinVar variation 4619856 (VCV004619856.1).

ClinVar aggregate classification (germline): Uncertain significance (1 of 4 stars; one submission).

Conditions:
Hereditary cancer-predisposing syndrome. Also called: Neoplastic Syndromes, Hereditary; Tumor predisposition; Hereditary Cancer Syndrome; Hereditary neoplastic syndrome. Identifiers: Orphanet 140162, MedGen C0027672, MeSH D009386, MONDO:0015356.

gnomAD v4.1: 1 of 1,556,934 alleles (0.000064%); highest among the groups gnomAD compares: Non-Finnish European, 0.000087%; no homozygotes.

Submission:

Ambry Genetics
Classification: Uncertain significance for Hereditary cancer-predisposing syndrome. Last evaluated: 2025-11-26. Review status: criteria provided, single submitter. Criteria: Ambry Variant Classification Scheme 2023. Collection method: clinical testing. Allele origin: germline.
Comment: The p.C452F variant (also known as c.1355G>T), located in coding exon 5 of the AXIN2 gene, results from a G to T substitution at nucleotide position 1355. The cysteine at codon 452 is replaced by phenylalanine, an amino acid with highly dissimilar properties. This amino acid position is conserved. In addition, this alteration is predicted to be deleterious by in silico analysis. Based on the available evidence, the clinical significance of this variant remains unclear.